The following is an entry in ClinVar:

NM_004247.4(EFTUD2):c.870-10T>G

Gene: EFTUD2 (elongation factor Tu GTP binding domain containing 2; minus strand). Cytogenetic location: 17q21.31.
Variant type: single nucleotide variant.
Coding change: c.870-10T>G on transcript NM_004247.4 (MANE Select); 10 bases into the intron before coding-DNA position 870, T replaced by G.
Molecular consequence: intron variant.
Genome position (GRCh38, 1-based): chr17:44,872,580, A>C on the plus strand (T>G on the coding strand, the complement: EFTUD2 is on the minus strand). VCF-style: chr17-44872580-A-C. GRCh37 (hg19) VCF-style: chr17-42949948-A-C.
Other names: c.765-10T>G (NM_001142605.2); c.840-10T>G (NM_001258354.2); c.870-10T>G (NM_001258353.2).
Identifiers: ClinVar variation 2011090 (VCV002011090.4), dbSNP rs2508797257, ClinGen allele CA2580093894.
Genomic context (GRCh38, chr17:44,872,580, plus strand): 5'-ACGTTACCCAGGAGTGGGGAAAGGATCAGGTTCTCATCAGTGGAATACATGCTGAAACAG[A>C]GACAGTGGTGAACACAGTGCCAGGCTGCAGCAGCCCGGACGCACTGCCAAGGGGAAGGGC-3'

ClinVar aggregate classification (germline): Uncertain significance (1 of 4 stars; one submission).

Submission:

Labcorp Genetics (formerly Invitae), Labcorp
Classification: Uncertain significance. Last evaluated: 2022-06-26. Review status: criteria provided, single submitter. Criteria: Invitae Variant Classification Sherloc (09022015). Collection method: clinical testing. Allele origin: germline.
Comment: This sequence change falls in intron 10 of the EFTUD2 gene. It does not directly change the encoded amino acid sequence of the EFTUD2 protein. This variant is not present in population databases (gnomAD no frequency). This variant has not been reported in the literature in individuals affected with EFTUD2-related conditions. Algorithms developed to predict the effect of sequence changes on RNA splicing suggest that this variant may disrupt the consensus splice site. In summary, the available evidence is currently insufficient to determine the role of this variant in disease. Therefore, it has been classified as a Variant of Uncertain Significance.